The following is an entry in ClinVar:

NM_001083961.2(WDR62):c.3232G>A (p.Ala1078Thr)

Gene: WDR62 (WD repeat domain 62; plus strand). Cytogenetic location: 19q13.12.
Variant type: single nucleotide variant.
Coding change: c.3232G>A on transcript NM_001083961.2 (MANE Select); coding-DNA position 3232, G replaced by A.
Protein change: p.Ala1078Thr; replaces alanine 1078 with threonine.
Molecular consequence: missense variant. On other transcripts: intron variant (1).
Genome position (GRCh38, 1-based): chr19:36,102,748, G>A. VCF-style: chr19-36102748-G-A. GRCh37 (hg19) VCF-style: chr19-36593650-G-A.
Other names: c.3221-4G>A (NM_173636.5); short protein forms A1078T.
Identifiers: ClinVar variation 196012 (VCV000196012.10), dbSNP rs373781801, ClinGen allele CA242759.

ClinVar aggregate classification (germline): Uncertain significance. Review status: criteria provided, multiple submitters, no conflicts (2 of 4 stars). 3 submissions from 3 submitters: Uncertain significance (3). Last evaluated 2026-01-23.

Conditions:
WDR62-related disorder. Also called: WDR62-related condition.

Allele frequency attached by ClinVar (database versions not stated): ExAC 0.00005; ESP Exome Variant Server 0.00008; gnomAD exomes 0.00008 and 0.00010; gnomAD 0.00003 and 0.00004; TOPMed 0.00008.
gnomAD v4.1: 152 of 1,613,974 alleles (0.0094%); highest among the groups gnomAD compares: Non-Finnish European, 0.013%; no homozygotes.

Submissions (3):

PreventionGenetics, part of Exact Sciences
Classification: Uncertain significance for WDR62-related condition. Last evaluated: 2026-01-23. Review status: criteria provided, single submitter. Criteria: ACMG Guidelines, 2015. Collection method: clinical testing. Allele origin: germline.
Comment: The WDR62 c.3232G>A variant is predicted to result in the amino acid substitution p.Ala1078Thr. This variant was reported in homozygous state in several individuals from single consanguineous family affected with primary microcephaly, primary (Table 1, Nicholas et al 2010. PubMed ID: 20890279). This variant is reported in 0.016% of alleles in individuals of European (Non-Finnish) descent in gnomAD. Although we suspect that this variant may be pathogenic, at this time, the clinical significance of this variant is uncertain due to the absence of conclusive functional and genetic evidence.

GeneDx
Classification: Uncertain significance. Last evaluated: 2021-07-15. Review status: criteria provided, single submitter. Criteria: GeneDx Variant Classification Process June 2021. Collection method: clinical testing. Allele origin: germline. Affected: yes.
Comment: In silico analysis, which includes protein predictors and evolutionary conservation, supports that this variant does not alter protein structure/function; This variant is associated with the following publications: (PMID: 20729831, 20890279, 28756000, 31258591, 27535533)

Eurofins Ntd Llc (ga)
Classification: Uncertain significance. Last evaluated: 2014-07-17. Review status: criteria provided, single submitter. Criteria: EGL Classification Definitions 2015. Collection method: clinical testing. Allele origin: germline. Observed: 1 variant allele, 1 heterozygote.

Literature cited by the submitters: PubMed 20890279 (cited by Eurofins Ntd Llc (ga)).